The following is an entry in ClinVar:

NC_000023.10:g.(?_31676087)_(31897527_?)del

Gene: DMD (dystrophin; minus strand). Cytogenetic location: Xp21.1.
Variant type: Deletion.
Identifiers: ClinVar variation 3248235 (VCV003248235.1).

ClinVar aggregate classification (germline): Pathogenic (1 of 4 stars; one submission).

Conditions:
Duchenne muscular dystrophy (DMD). Also called: MUSCULAR DYSTROPHY, PSEUDOHYPERTROPHIC PROGRESSIVE, DUCHENNE TYPE; Duchenne Muscular Dystrophy (DMD). Identifiers: Orphanet 98896, MedGen C0013264, MONDO:0010679, OMIM 310200.

Submission:

Labcorp Genetics (formerly Invitae), Labcorp
Classification: Pathogenic for Duchenne muscular dystrophy. Last evaluated: 2023-08-04. Review status: criteria provided, single submitter. Criteria: Invitae Variant Classification Sherloc (09022015). Collection method: clinical testing. Allele origin: unknown.
Comment: For these reasons, this variant has been classified as Pathogenic. A similar copy number variant has been observed in individuals with Duchenne muscular dystrophy (PMID: 31705731; Invitae). This variant is a gross deletion of the genomic region encompassing exon(s) 48-54 of the DMD gene. This deletion is out-of-frame, and is expected to create a premature termination codon and result in an absent or disrupted protein product. Loss-of-function variants in DMD are known to be pathogenic (PMID: 16770791, 25007885).

Literature cited by the submitters: PubMed 31705731; PubMed 16770791; PubMed 25007885.